The following is an entry in ClinVar:

ClinVar aggregate classification (germline): Uncertain significance. Review status: criteria provided, multiple submitters, no conflicts (2 of 4 stars). 3 submissions from 3 submitters: Uncertain significance (3). Last evaluated 2025-01-24.

Conditions:
Inborn genetic diseases. Identifiers: MedGen C0950123, MeSH D030342.

Allele frequency attached by ClinVar (database versions not stated): gnomAD 0.00001; TOPMed 0.00001; ExAC 0.00002.
gnomAD v4.1: 2 of 1,600,892 alleles (0.00012%); highest among the groups gnomAD compares: African/African-American, 0.0027%; no homozygotes.

Submissions (3):

Ambry Genetics
Classification: Uncertain significance for Inborn genetic diseases. Last evaluated: 2025-01-24. Review status: criteria provided, single submitter. Criteria: Ambry Variant Classification Scheme 2023. Collection method: clinical testing. Allele origin: germline.

Blueprint Genetics
Classification: Uncertain significance. Last evaluated: 2024-11-20. Review status: criteria provided, single submitter. Criteria: ACMG Guidelines, 2015. Collection method: clinical testing. Allele origin: germline.

Labcorp Genetics (formerly Invitae), Labcorp
Classification: Uncertain significance. Last evaluated: 2022-02-28. Review status: criteria provided, single submitter. Criteria: Invitae Variant Classification Sherloc (09022015). Collection method: clinical testing. Allele origin: germline.
Comment: This sequence change replaces tyrosine, which is neutral and polar, with cysteine, which is neutral and slightly polar, at codon 97 of the MYO7A protein (p.Tyr97Cys). This variant is present in population databases (rs782623312, gnomAD 0.007%). This variant has not been reported in the literature in individuals affected with MYO7A-related conditions. Advanced modeling of protein sequence and biophysical properties (such as structural, functional, and spatial information, amino acid conservation, physicochemical variation, residue mobility, and thermodynamic stability) performed at Invitae indicates that this missense variant is expected to disrupt MYO7A protein function. In summary, the available evidence is currently insufficient to determine the role of this variant in disease. Therefore, it has been classified as a Variant of Uncertain Significance.

NM_000260.4(MYO7A):c.290A>G (p.Tyr97Cys)

Gene: MYO7A (myosin VIIA; plus strand). Cytogenetic location: 11q13.5.
Variant type: single nucleotide variant.
Coding change: c.290A>G on transcript NM_000260.4 (MANE Select); coding-DNA position 290, A replaced by G.
Protein change: p.Tyr97Cys; replaces tyrosine 97 with cysteine.
Molecular consequence: missense variant.
Genome position (GRCh38, 1-based): chr11:77,155,911, A>G. VCF-style: chr11-77155911-A-G. GRCh37 (hg19) VCF-style: chr11-76866957-A-G.
Other names: c.290A>G, p.Tyr97Cys (NM_001127180.2); c.257A>G, p.Tyr86Cys (NM_001369365.1); c.290A>G (NM_000260.3); short protein forms Y86C, Y97C.
Identifiers: ClinVar variation 2043281 (VCV002043281.3), dbSNP rs782623312, ClinGen allele CA6197100.